The following is an entry in ClinVar:

ClinVar aggregate classification (germline): Benign (1 of 4 stars; one submission).

Allele frequency attached by ClinVar (database versions not stated): ExAC 0.00012; 1000 Genomes Project 30x 0.00016; gnomAD 0.00031 and 0.00033; TOPMed 0.00035.

Submission:

GeneDx
Classification: Benign. Last evaluated: 2014-12-18. Review status: criteria provided, single submitter. Criteria: GeneDx Variant Classification (06012015). Collection method: clinical testing. Allele origin: germline. Affected: yes.
Comment: This variant is considered likely benign or benign based on one or more of the following criteria: it is a conservative change, it occurs at a poorly conserved position in the protein, it is predicted to be benign by multiple in silico algorithms, and/or has population frequency not consistent with disease.

NM_198586.3(NHLRC1):c.-35G>T

Gene: NHLRC1 (NHL repeat containing E3 ubiquitin protein ligase 1; minus strand). Cytogenetic location: 6p22.3.
Variant type: single nucleotide variant.
Coding change: c.-35G>T on transcript NM_198586.3 (MANE Select); 35 bases upstream of the start codon, G replaced by T.
Molecular consequence: 5 prime UTR variant.
Genome position (GRCh38, 1-based): chr6:18,122,641, C>A on the plus strand (G>T on the coding strand, the complement: NHLRC1 is on the minus strand). VCF-style: chr6-18122641-C-A. GRCh37 (hg19) VCF-style: chr6-18122872-C-A.
Identifiers: ClinVar variation 206171 (VCV000206171.1), dbSNP rs368401597, ClinGen allele CA316001.